The following is an entry in ClinVar:

ClinVar aggregate classification (germline): Uncertain significance (1 of 4 stars; one submission).

Allele frequency attached by ClinVar (database versions not stated): ExAC 0.00002; gnomAD 0.00004; gnomAD exomes 0.00004.
gnomAD v4.1: 55 of 1,613,710 alleles (0.0034%); highest among the groups gnomAD compares: Non-Finnish European, 0.0042%; no homozygotes.

Submission:

Labcorp Genetics (formerly Invitae), Labcorp
Classification: Uncertain significance. Last evaluated: 2022-05-27. Review status: criteria provided, single submitter. Criteria: Invitae Variant Classification Sherloc (09022015). Collection method: clinical testing. Allele origin: germline.
Comment: In summary, the available evidence is currently insufficient to determine the role of this variant in disease. Therefore, it has been classified as a Variant of Uncertain Significance. Algorithms developed to predict the effect of missense changes on protein structure and function (SIFT, PolyPhen-2, Align-GVGD) all suggest that this variant is likely to be tolerated. This variant has not been reported in the literature in individuals affected with SORL1-related conditions. This variant is present in population databases (rs768863874, gnomAD 0.008%). This sequence change replaces glutamic acid, which is acidic and polar, with aspartic acid, which is acidic and polar, at codon 1543 of the SORL1 protein (p.Glu1543Asp).

NM_003105.6(SORL1):c.4629G>C (p.Glu1543Asp)

Gene: SORL1 (sortilin related receptor 1; plus strand). Cytogenetic location: 11q24.1.
Variant type: single nucleotide variant.
Coding change: c.4629G>C on transcript NM_003105.6 (MANE Select); coding-DNA position 4629, G replaced by C.
Protein change: p.Glu1543Asp; replaces glutamic acid 1543 with aspartic acid.
Molecular consequence: missense variant.
Genome position (GRCh38, 1-based): chr11:121,604,302, G>C. VCF-style: chr11-121604302-G-C. GRCh37 (hg19) VCF-style: chr11-121475011-G-C.
Other names: short protein forms E1543D.
Identifiers: ClinVar variation 1406887 (VCV001406887.8), dbSNP rs768863874, ClinGen allele CA6329694.